The following is an entry in ClinVar:

NM_173689.7(CRB2):c.2376G>T (p.Glu792Asp)

Gene: CRB2 (crumbs cell polarity complex component 2; plus strand). Cytogenetic location: 9q33.3.
Variant type: single nucleotide variant.
Coding change: c.2376G>T on transcript NM_173689.7 (MANE Select); coding-DNA position 2376, G replaced by T.
Protein change: p.Glu792Asp; replaces glutamic acid 792 with aspartic acid.
Molecular consequence: missense variant. On other transcripts: non-coding transcript variant (1).
Genome position (GRCh38, 1-based): chr9:123,371,518, G>T. VCF-style: chr9-123371518-G-T. GRCh37 (hg19) VCF-style: chr9-126133797-G-T.
Other names: p.Glu792Asp; short protein forms E792D.
Identifiers: ClinVar variation 787345 (VCV000787345.17), dbSNP rs75370841, ClinGen allele CA5232184.

ClinVar aggregate classification (germline): Benign/Likely benign. Review status: criteria provided, multiple submitters, no conflicts (2 of 4 stars). 4 submissions from 4 submitters: Benign (2); Likely benign (2). Last evaluated 2025-12-16.

Allele frequency attached by ClinVar (database versions not stated): gnomAD 0.00785 and 0.00850; TOPMed 0.00842; ESP Exome Variant Server 0.00869; 1000 Genomes Project 0.00899; 1000 Genomes Project 30x 0.00953.
gnomAD v4.1: 2,209 of 1,613,186 alleles (0.14%); highest among the groups gnomAD compares: African/African-American, 2.7%; 25 homozygotes.

Submissions (4):

Labcorp Genetics (formerly Invitae), Labcorp
Classification: Benign. Last evaluated: 2025-12-16. Review status: criteria provided, single submitter. Criteria: Invitae Variant Classification Sherloc (09022015). Collection method: clinical testing. Allele origin: germline.

Mayo Clinic Laboratories, Mayo Clinic
Classification: Benign. Last evaluated: 2023-09-19. Review status: criteria provided, single submitter. Criteria: ACMG Guidelines, 2015. Collection method: clinical testing. Allele origin: germline. Observed: 2 variant alleles.
Comment: BS1, BS2, BP4

GeneDx
Classification: Likely benign. Last evaluated: 2023-06-07. Review status: criteria provided, single submitter. Criteria: GeneDx Variant Classification Process June 2021. Collection method: clinical testing. Allele origin: germline. Affected: yes.
Comment: See Variant Classification Assertion Criteria.

Breakthrough Genomics
Classification: Likely benign. Review status: criteria provided, single submitter. Criteria: ACMG Guidelines, 2015. Collection method: not provided. Allele origin: germline. Inheritance: Autosomal recessive inheritance. Affected: yes.

Literature cited by the submitters: PubMed 33687977 (cited by Mayo Clinic Laboratories, Mayo Clinic).